The following is an entry in ClinVar:

NM_014244.5(ADAMTS2):c.89_96delinsAGCAGC (p.Pro30fs)

Gene: ADAMTS2 (ADAM metallopeptidase with thrombospondin type 1 motif 2; minus strand). Cytogenetic location: 5q35.3.
Variant type: Indel.
Coding change: c.89_96delinsAGCAGC on transcript NM_014244.5 (MANE Select); coding-DNA positions 89 to 96, CGCCGCCG replaced by AGCAGC.
Protein change: p.Pro30fs; shifts the reading frame from proline 30.
Molecular consequence: frameshift variant.
Genome position (GRCh38, 1-based): chr5:179,345,233-179,345,240, CGGCGGCG replaced by GCTGCT on the plus strand (CGCCGCCG replaced by AGCAGC on the coding strand, the reverse complement: ADAMTS2 is on the minus strand). VCF-style: chr5-179345233-CGGCGGCG-GCTGCT. GRCh37 (hg19) VCF-style: chr5-178772234-CGGCGGCG-GCTGCT.
Other names: c.89_96delinsAGCAGC, p.Pro30fs (NM_021599.4); short protein forms P30fs.
Identifiers: ClinVar variation 5010651 (VCV005010651.1).

ClinVar aggregate classification (germline): Pathogenic (1 of 4 stars; one submission).

Conditions:
Ehlers-Danlos syndrome, dermatosparaxis type. Also called: EDS VIIC; Dermatosparaxis; Ehlers-Danlos syndrome, type VII, autosomal recessive. Identifiers: Orphanet 1901, MedGen C2700425, MONDO:0009161, OMIM 225410.

Submission:

Myriad Genetics, Inc.
Classification: Pathogenic for Ehlers-Danlos syndrome, dermatosparaxis type. Last evaluated: 2024-05-14. Review status: criteria provided, single submitter. Criteria: Myriad Autosomal Dominant, Autosomal Recessive and X-Linked Classification Criteria (2023). Collection method: clinical testing. Allele origin: unknown.
Comment: NM_014244.4(ADAMTS2):c.89_96del8ins6(P30Qfs*35) is expected to be pathogenic in the context of Ehlers-Danlos syndrome, ADAMTS2-related. This variant is predicted to lead to an abnormal or absent protein product due to the creation of a premature termination codon in ADAMTS2, a gene where loss-of-function variants are known to be pathogenic. Please note: this variant was assessed in the context of healthy population screening.